The following is an entry in ClinVar:

NM_201384.3(PLEC):c.435+3A>T

Gene: PLEC (plectin; minus strand). Cytogenetic location: 8q24.3.
Variant type: single nucleotide variant.
Coding change: c.435+3A>T on transcript NM_201384.3 (MANE Select); 3 bases into the intron after coding-DNA position 435, A replaced by T.
Molecular consequence: intron variant.
Genome position (GRCh38, 1-based): chr8:143,936,976, T>A on the plus strand (A>T on the coding strand, the complement: PLEC is on the minus strand). VCF-style: chr8-143936976-T-A. GRCh37 (hg19) VCF-style: chr8-145011144-T-A.
Other names: c.516+3A>T (NM_000445.5); c.393+3A>T (NM_201378.4); c.369+3A>T (NM_201379.3); c.846+3A>T (NM_201380.4); c.339+3A>T (NM_201381.3); c.435+3A>T (NM_201382.4); c.447+3A>T (NM_201383.3).
Identifiers: ClinVar variation 931242 (VCV000931242.9), dbSNP rs1829221550, ClinGen allele CA1139660809.

ClinVar aggregate classification (germline): Uncertain significance. Review status: criteria provided, multiple submitters, no conflicts (2 of 4 stars). 2 submissions from 2 submitters: Uncertain significance (2). Last evaluated 2021-02-16.

Conditions:
Autosomal recessive limb-girdle muscular dystrophy type 2Q (LGMDR17). Also called: MUSCULAR DYSTROPHY, LIMB-GIRDLE, AUTOSOMAL RECESSIVE 17. Identifiers: Orphanet 254361, MedGen C3150989, MONDO:0013390, OMIM 613723.
Epidermolysis bullosa simplex with nail dystrophy (EBS5D). Identifiers: MedGen C4225309, MONDO:0014661, OMIM 616487.
Epidermolysis bullosa simplex 5B, with muscular dystrophy (EBS5B). Also called: EPIDERMOLYSIS BULLOSA SIMPLEX AND LIMB-GIRDLE MUSCULAR DYSTROPHY; Epidermolysis bullosa simplex with muscular dystrophy. Identifiers: Orphanet 257, MedGen C2931072, MONDO:0009181, OMIM 226670.
Epidermolysis bullosa simplex, Ogna type (EBS5A). Also called: EPIDERMOLYSIS BULLOSA SIMPLEX 5A, OGNA TYPE; Pidermolysis bullosa simplex 5A, Ogna type. Identifiers: Orphanet 79401, MedGen C0432317, MONDO:0007555, OMIM 131950.
Epidermolysis bullosa simplex 5C, with pyloric atresia (EBS5C). Also called: PLEC1-Related Epidermolysis Bullosa with Pyloric Atresia; PLEC-Related Epidermolysis Bullosa with Pyloric Atresia; Epidermolysis bullosa simplex with pyloric atresia. Identifiers: Orphanet 158684, MedGen C2677349, MONDO:0012807, OMIM 612138.

Allele frequency attached by ClinVar (database versions not stated): gnomAD exomes below 0.00001.
gnomAD v4.1: 5 of 1,608,896 alleles (0.00031%); highest among the groups gnomAD compares: Non-Finnish European, 0.00034%; no homozygotes.

Submissions (2):

Labcorp Genetics (formerly Invitae), Labcorp
Classification: Uncertain significance for Autosomal recessive limb-girdle muscular dystrophy type 2Q; Epidermolysis bullosa simplex, Ogna type; Epidermolysis bullosa simplex with nail dystrophy; Epidermolysis bullosa simplex 5C, with pyloric atresia; Epidermolysis bullosa simplex 5B, with muscular dystrophy. Last evaluated: 2021-02-16. Review status: criteria provided, single submitter. Criteria: Invitae Variant Classification Sherloc (09022015). Collection method: clinical testing. Allele origin: germline.
Comment: In summary, the available evidence is currently insufficient to determine the role of this variant in disease. Therefore, it has been classified as a Variant of Uncertain Significance. Nucleotide substitutions within the consensus splice site are a relatively common cause of aberrant splicing (PMID: 17576681, 9536098). Algorithms developed to predict the effect of sequence changes on RNA splicing suggest that this variant may disrupt the consensus splice site, but this prediction has not been confirmed by published transcriptional studies. This variant has not been reported in the literature in individuals with PLEC-related conditions. ClinVar contains an entry for this variant (Variation ID: 931242). This variant is not present in population databases (ExAC no frequency). This sequence change falls in intron 6 of the PLEC gene. It does not directly change the encoded amino acid sequence of the PLEC protein. It affects a nucleotide within the consensus splice site of the intron.

Centre for Mendelian Genomics, University Medical Centre Ljubljana
Classification: Uncertain significance for Autosomal recessive limb-girdle muscular dystrophy type 2Q. Last evaluated: 2019-02-28. Review status: criteria provided, single submitter. Criteria: ACMG Guidelines, 2015. Collection method: clinical testing. Allele origin: unknown. Affected: yes.
Comment: This variant was classified as: Uncertain significance. The available evidence on this variant's pathogenicity is insufficient or conflicting. The following ACMG criteria were applied in classifying this variant: PM2,PP3.

Literature cited by the submitters: PubMed 17576681 (cited by Labcorp Genetics (formerly Invitae), Labcorp); PubMed 9536098 (cited by Labcorp Genetics (formerly Invitae), Labcorp).